The following is an entry in ClinVar:

NM_001012614.2(CTBP1):c.1139C>G (p.Thr380Ser)

Genes: CTBP1 (C-terminal binding protein 1; minus strand), CTBP1-AS (CTBP1 antisense RNA; plus strand). Cytogenetic location: 4p16.3.
Variant type: single nucleotide variant.
Coding change: c.1139C>G on transcript NM_001012614.2 (MANE Select); coding-DNA position 1139, C replaced by G.
Protein change: p.Thr380Ser; replaces threonine 380 with serine.
Molecular consequence: missense variant. On other transcripts: non-coding transcript variant (1).
Genome position (GRCh38, 1-based): chr4:1,212,391, G>C on the plus strand (C>G on the coding strand, the complement: CTBP1 is on the minus strand). VCF-style: chr4-1212391-G-C. GRCh37 (hg19) VCF-style: chr4-1206179-G-C.
Other names: c.1172C>G (NM_001328.2); c.1172C>G, p.Thr391Ser (NM_001328.3); c.1175C>G, p.Thr392Ser (NM_001377186.1); c.1142C>G, p.Thr381Ser (NM_001377187.1, NM_001377188.1, NM_001377189.1 and 1 more transcripts); c.1139C>G, p.Thr380Ser (NM_001377191.1, NM_001377192.1, NM_001377193.1); short protein forms T380S, T381S, T391S, T392S.
Identifiers: ClinVar variation 3389274 (VCV003389274.14).
Genomic context (GRCh38, chr4:1,212,391, plus strand): 5'-AGGCCGTGGGACAGGGACATGGCGCTGGGGACGATACCTTCCACAGCAGCTGGGATGCCA[G>C]TGGGGGCCACGCCCACCACGCCCGGAGGGTACCTGCTGGGAGAGGGTCCATCCGTGAGGC-3'
Protein context (NP_001012632.1, residues 370-390): YPPGVVGVAP[Thr380Ser]GIPAAVEGIV

ClinVar aggregate classification (germline): Conflicting classifications of pathogenicity. Review status: criteria provided, conflicting classifications (1 of 4 stars). 2 submissions from 2 submitters: Uncertain significance (1); Likely benign (1). Last evaluated 2025-11-01.

Conditions:
Inborn genetic diseases. Identifiers: MedGen C0950123, MeSH D030342.

gnomAD v4.1: 2 of 1,492,636 alleles (0.00013%); highest among the groups gnomAD compares: Non-Finnish European, 0.00018%; no homozygotes.

Submissions (2):

CeGaT Center for Human Genetics Tuebingen
Classification: Uncertain significance. Last evaluated: 2025-11-01. Review status: criteria provided, single submitter. Criteria: CeGaT Center For Human Genetics Tuebingen Variant Classification Criteria Version 2. Collection method: clinical testing. Allele origin: germline. Affected: yes. Observed: 1 variant allele.
Comment: CTBP1: PM2, BP4

Ambry Genetics
Classification: Likely benign for Inborn genetic diseases. Last evaluated: 2025-05-11. Review status: criteria provided, single submitter. Criteria: Ambry Variant Classification Scheme 2023. Collection method: clinical testing. Allele origin: germline.